The following is an entry in ClinVar:

NM_004370.6(COL12A1):c.2260C>T (p.Arg754Ter)

Gene: COL12A1 (collagen type XII alpha 1 chain; minus strand). Cytogenetic location: 6q13.
Variant type: single nucleotide variant.
Coding change: c.2260C>T on transcript NM_004370.6 (MANE Select); coding-DNA position 2260, C replaced by T.
Protein change: p.Arg754Ter; replaces arginine 754 with a stop codon.
Molecular consequence: nonsense. On other transcripts: intron variant (1).
Genome position (GRCh38, 1-based): chr6:75,177,840, G>A on the plus strand (C>T on the coding strand, the complement: COL12A1 is on the minus strand). VCF-style: chr6-75177840-G-A. GRCh37 (hg19) VCF-style: chr6-75887556-G-A.
Other names: c.73+24880C>T (NM_080645.3); short protein forms R754*.
Identifiers: ClinVar variation 1008754 (VCV001008754.7), dbSNP rs1034315777, ClinGen allele CA141025140.

ClinVar aggregate classification (germline): Uncertain significance (1 of 4 stars; one submission).

Conditions:
Ullrich congenital muscular dystrophy 2 (UCMD2). Identifiers: Orphanet 75840, MedGen C4225314, MONDO:0014654, OMIM 616470.
Bethlem myopathy 2 (BTHLM2). Identifiers: Orphanet 536516, Orphanet 610, MedGen C4225313, MONDO:0034022, OMIM 616471.

gnomAD v4.1: 4 of 1,613,948 alleles (0.00025%); highest among the groups gnomAD compares: Non-Finnish European, 0.00034%; no homozygotes.

Submission:

Labcorp Genetics (formerly Invitae), Labcorp
Classification: Uncertain significance for Bethlem myopathy 2; Ullrich congenital muscular dystrophy 2. Last evaluated: 2024-06-17. Review status: criteria provided, single submitter. Criteria: Invitae Variant Classification Sherloc (09022015). Collection method: clinical testing. Allele origin: germline.
Comment: This sequence change creates a premature translational stop signal (p.Arg754*) in the COL12A1 gene. Multiple COL12A1 isoforms have been reported, and the functional impact of this variant is uncertain (PMID: 8601036). This variant is present in population databases (no rsID available, gnomAD 0.0009%). This variant has not been reported in the literature in individuals affected with COL12A1-related conditions. ClinVar contains an entry for this variant (Variation ID: 1008754). Experimental studies and prediction algorithms are not available or were not evaluated, and the functional significance of this variant is currently unknown. In summary, the available evidence is currently insufficient to determine the role of this variant in disease. Therefore, it has been classified as a Variant of Uncertain Significance.

Literature cited by the submitters: PubMed 8601036.